The following is an entry in ClinVar:

ClinVar aggregate classification (germline): Uncertain significance (1 of 4 stars; one submission).

Conditions:
MDN1-related disorder. Also called: MDN1-related condition.

gnomAD v4.1: 1 of 1,614,066 alleles (0.000062%); no homozygotes.

Submission:

PreventionGenetics, part of Exact Sciences
Classification: Uncertain significance for MDN1-related condition. Last evaluated: 2026-01-26. Review status: criteria provided, single submitter. Criteria: ACMG Guidelines, 2015. Collection method: clinical testing. Allele origin: germline.
Comment: The MDN1 c.14176G>A variant is predicted to result in the amino acid substitution p.Ala4726Thr. To our knowledge, this variant has not been reported in the literature or in a large population database (gnomAD), indicating this variant is rare. At this time, the clinical significance of this variant is uncertain due to the absence of conclusive functional and genetic evidence.

NM_014611.3(MDN1):c.14176G>A (p.Ala4726Thr)

Genes: MDN1 (midasin AAA ATPase 1; minus strand), MDN1-AS1 (MDN1 antisense RNA 1; plus strand). Cytogenetic location: 6q15.
Variant type: single nucleotide variant.
Coding change: c.14176G>A on transcript NM_014611.3 (MANE Select); coding-DNA position 14176, G replaced by A.
Protein change: p.Ala4726Thr; replaces alanine 4726 with threonine.
Molecular consequence: missense variant.
Genome position (GRCh38, 1-based): chr6:89,664,547, C>T on the plus strand (G>A on the coding strand, the complement: MDN1 is on the minus strand). VCF-style: chr6-89664547-C-T. GRCh37 (hg19) VCF-style: chr6-90374266-C-T.
Other names: short protein forms A4726T.
Identifiers: ClinVar variation 4982428 (VCV004982428.1).